The following is an entry in ClinVar:

ClinVar aggregate classification (germline): Likely benign (1 of 4 stars; one submission).

Allele frequency attached by ClinVar (database versions not stated): 1000 Genomes Project 30x 0.00078; 1000 Genomes Project 0.00080; ESP Exome Variant Server 0.00177; gnomAD 0.00192; ExAC 0.00278.

Submission:

CeGaT Center for Human Genetics Tuebingen
Classification: Likely benign. Last evaluated: 2026-09-01. Review status: criteria provided, single submitter. Criteria: CeGaT Center For Human Genetics Tuebingen Variant Classification Criteria Version 2. Collection method: clinical testing. Allele origin: germline. Affected: yes. Observed: 27 variant alleles.
Comment: MUC21: BP4, BP7, BS2

NM_001010909.5(MUC21):c.303G>A (p.Gly101=)

Gene: MUC21 (mucin 21, cell surface associated; plus strand). Cytogenetic location: 6p21.33.
Variant type: single nucleotide variant.
Coding change: c.303G>A on transcript NM_001010909.5 (MANE Select); coding-DNA position 303, G replaced by A.
Protein change: p.Gly101=; no amino-acid change (glycine 101 retained).
Molecular consequence: synonymous variant. On other transcripts: non-coding transcript variant (1).
Genome position (GRCh38, 1-based): chr6:30,986,478, G>A. VCF-style: chr6-30986478-G-A. GRCh37 (hg19) VCF-style: chr6-30954255-G-A.
Other names: c.303G>A, p.Gly101= (NM_001322370.2, NM_001322371.2).
Identifiers: ClinVar variation 2656348 (VCV002656348.24), dbSNP rs147276513, ClinGen allele CA3707052.